The following is an entry in ClinVar:

ClinVar aggregate classification (germline): Pathogenic (1 of 4 stars; one submission).

Conditions:
Gorlin syndrome. Also called: Basal cell nevus syndrome; Nevoid Basal Cell Carcinoma Syndrome. Identifiers: Orphanet 377, MedGen C0004779, MONDO:0007187.

Submission:

Labcorp Genetics (formerly Invitae), Labcorp
Classification: Pathogenic for Gorlin syndrome. Last evaluated: 2023-11-28. Review status: criteria provided, single submitter. Criteria: Invitae Variant Classification Sherloc (09022015). Collection method: clinical testing. Allele origin: germline.
Comment: This sequence change creates a premature translational stop signal (p.Gln177*) in the PTCH1 gene. It is expected to result in an absent or disrupted protein product. Loss-of-function variants in PTCH1 are known to be pathogenic (PMID: 16301862, 16419085). This variant is not present in population databases (gnomAD no frequency). This variant has not been reported in the literature in individuals affected with PTCH1-related conditions. ClinVar contains an entry for this variant (Variation ID: 1368575). For these reasons, this variant has been classified as Pathogenic.

Literature cited by the submitters: PubMed 16301862; PubMed 16419085.

NM_000264.5(PTCH1):c.529C>T (p.Gln177Ter)

Gene: PTCH1 (patched 1; minus strand). Cytogenetic location: 9q22.32.
Variant type: single nucleotide variant.
Coding change: c.529C>T on transcript NM_000264.5 (MANE Select); coding-DNA position 529, C replaced by T.
Protein change: p.Gln177Ter; replaces glutamine 177 with a stop codon.
Molecular consequence: nonsense. On other transcripts: non-coding transcript variant (1).
Genome position (GRCh38, 1-based): chr9:95,485,740, G>A on the plus strand (C>T on the coding strand, the complement: PTCH1 is on the minus strand). VCF-style: chr9-95485740-G-A. GRCh37 (hg19) VCF-style: chr9-98248022-G-A.
Other names: c.331C>T, p.Gln111Ter (NM_001083602.3, NM_001354919.2); c.526C>T, p.Gln176Ter (NM_001083603.3); c.76C>T, p.Gln26Ter (NM_001083604.3, NM_001083605.3, NM_001083606.3 and 1 more transcripts); c.529C>T, p.Gln177Ter (NM_001354918.2); short protein forms Q176*, Q111*, Q26*, Q177*.
Identifiers: ClinVar variation 1368575 (VCV001368575.6), dbSNP rs2118540467, ClinGen allele CA374116806.